The following is an entry in ClinVar:

ClinVar aggregate classification (germline): Uncertain significance (1 of 4 stars; one submission).

Allele frequency attached by ClinVar (database versions not stated): gnomAD exomes below 0.00001; ExAC 0.00002.
gnomAD v4.1: 2 of 1,537,550 alleles (0.00013%); highest among the groups gnomAD compares: Non-Finnish European, 0.000087%; no homozygotes.

Submission:

Labcorp Genetics (formerly Invitae), Labcorp
Classification: Uncertain significance. Last evaluated: 2022-04-04. Review status: criteria provided, single submitter. Criteria: Invitae Variant Classification Sherloc (09022015). Collection method: clinical testing. Allele origin: germline.
Comment: This sequence change replaces aspartic acid, which is acidic and polar, with asparagine, which is neutral and polar, at codon 610 of the MKL1 protein (p.Asp610Asn). This variant is present in population databases (rs748682456, gnomAD 0.003%). This variant has not been reported in the literature in individuals affected with MKL1-related conditions. Algorithms developed to predict the effect of missense changes on protein structure and function (SIFT, PolyPhen-2, Align-GVGD) all suggest that this variant is likely to be tolerated. In summary, the available evidence is currently insufficient to determine the role of this variant in disease. Therefore, it has been classified as a Variant of Uncertain Significance.

NM_020831.6(MRTFA):c.2128G>A (p.Asp710Asn)

Gene: MRTFA (myocardin related transcription factor A; minus strand). Cytogenetic location: 22q13.1.
Variant type: single nucleotide variant.
Coding change: c.2128G>A on transcript NM_020831.6 (MANE Select); coding-DNA position 2128, G replaced by A.
Protein change: p.Asp710Asn; replaces aspartic acid 710 with asparagine.
Molecular consequence: missense variant.
Genome position (GRCh38, 1-based): chr22:40,418,610, C>T on the plus strand (G>A on the coding strand, the complement: MRTFA is on the minus strand). VCF-style: chr22-40418610-C-T. GRCh37 (hg19) VCF-style: chr22-40814614-C-T.
Other names: c.1828G>A, p.Asp610Asn (NM_001282660.2); c.1978G>A, p.Asp660Asn (NM_001282661.3); c.2128G>A, p.Asp710Asn (NM_001282662.3); c.1933G>A, p.Asp645Asn (NM_001318139.2); short protein forms D610N, D660N, D710N, D645N.
Identifiers: ClinVar variation 2055849 (VCV002055849.4), dbSNP rs748682456, ClinGen allele CA10249444.
Genomic context (GRCh38, chr22:40,418,610, plus strand): 5'-GCTGCAAGGCTTCCTGCTTCACCACCACGGACGGGGGCCCCGGGGCCACAGCACAAGGGT[C>T]TATGTGGTTGGTGGCTGGGGCCGCCAGGCTGGGGTTGAATGGGTGAGCGGGGCCCAGGGG-3'
Protein context (NP_065882.2, residues 700-720): SLAAPATNHI[Asp710Asn]PCAVAPGPPS